The following is an entry in ClinVar:

NM_002439.5(MSH3):c.3301del (p.Arg1101fs)

Gene: MSH3 (mutS homolog 3; plus strand). Cytogenetic location: 5q14.1.
Variant type: Deletion.
Coding change: c.3301del on transcript NM_002439.5 (MANE Select); coding-DNA position 3301, one base deleted (A; older notation c.3301delA).
Protein change: p.Arg1101fs; shifts the reading frame from arginine 1101.
Molecular consequence: frameshift variant.
Genome position (GRCh38, 1-based): chr5:80,873,286, A deleted; the last of 4 consecutive A bases (chr5:80,873,283-80,873,286); deleting any one gives the same sequence. VCF-style (leftmost placement, unchanged base first): chr5-80873282-GA-G. GRCh37 (hg19) VCF-style: chr5-80169101-GA-G.
Other names: short protein forms R1101fs.
Identifiers: ClinVar variation 1729989 (VCV001729989.2), dbSNP rs2478805527, ClinGen allele CA2580073589.

ClinVar aggregate classification (germline): Uncertain significance (1 of 4 stars; one submission).

Conditions:
Hereditary cancer-predisposing syndrome. Also called: Neoplastic Syndromes, Hereditary; Tumor predisposition; Hereditary Cancer Syndrome; Hereditary neoplastic syndrome. Identifiers: Orphanet 140162, MedGen C0027672, MeSH D009386, MONDO:0015356.

Submission:

Ambry Genetics
Classification: Uncertain significance for Hereditary cancer-predisposing syndrome. Last evaluated: 2021-11-24. Review status: criteria provided, single submitter. Criteria: Ambry Variant Classification Scheme 2023. Collection method: clinical testing. Allele origin: germline.
Comment: The c.3301delA variant, located in coding exon 23 of the MSH3 gene, results from a deletion of one nucleotide at nucleotide position 3301, causing a translational frameshift with a predicted alternate stop codon (p.R1101Efs*58). This alteration is expected to result in loss of function by premature protein truncation or nonsense-mediated mRNA decay. As such, this alteration is interpreted as a disease-causing mutation. Since supporting evidence is conflicting at this time, the clinical significance of this alteration remains unclear.